The following is an entry in ClinVar:

NM_181486.4(TBX5):c.362+1G>A

Gene: TBX5 (T-box transcription factor 5; minus strand). Cytogenetic location: 12q24.21.
Variant type: single nucleotide variant.
Coding change: c.362+1G>A on transcript NM_181486.4 (MANE Select); the canonical splice donor site of the intron after coding-DNA position 362, G replaced by A.
Molecular consequence: splice donor variant.
Genome position (GRCh38, 1-based): chr12:114,399,512, C>T on the plus strand (G>A on the coding strand, the complement: TBX5 is on the minus strand). VCF-style: chr12-114399512-C-T. GRCh37 (hg19) VCF-style: chr12-114837317-C-T.
Other names: c.212+1G>A (NM_080717.4); c.362+1G>A (NM_000192.3).
Identifiers: ClinVar variation 1032248 (VCV001032248.1), dbSNP rs1871659583, ClinGen allele CA386862442.

ClinVar aggregate classification (germline): Pathogenic (1 of 4 stars; one submission).

Conditions:
Holt-Oram syndrome (HOS). Also called: TBX5-Related Holt-Oram Syndrome; Ventriculo-radial syndrome; Cardiac-limb syndrome; Heart-hand syndrome, type 1. Identifiers: Orphanet 392, MedGen C0265264, MONDO:0007732, OMIM 142900.

Submission:

Baylor Genetics
Classification: Pathogenic for Holt-Oram syndrome. Last evaluated: 2018-11-16. Review status: criteria provided, single submitter. Criteria: ACMG Guidelines, 2015. Collection method: clinical testing. Allele origin: de novo. Affected: yes.
Comment: This variant was determined to be pathogenic according to ACMG Guidelines, 2015 [PMID:25741868].